The following is an entry in ClinVar:

NM_000256.3(MYBPC3):c.1633C>A (p.Leu545Met)

Gene: MYBPC3 (myosin binding protein C3; minus strand). Cytogenetic location: 11p11.2.
Variant type: single nucleotide variant.
Coding change: c.1633C>A on transcript NM_000256.3 (MANE Select); coding-DNA position 1633, C replaced by A.
Protein change: p.Leu545Met; replaces leucine 545 with methionine.
Molecular consequence: missense variant.
Genome position (GRCh38, 1-based): chr11:47,342,148, G>T on the plus strand (C>A on the coding strand, the complement: MYBPC3 is on the minus strand). VCF-style: chr11-47342148-G-T. GRCh37 (hg19) VCF-style: chr11-47363699-G-T.
Other names: p.L545M:CTG>ATG; short protein forms L545M.
Identifiers: ClinVar variation 164105 (VCV000164105.29), dbSNP rs377163678, ClinGen allele CA010830.
Genomic context (GRCh38, chr11:47,342,148, plus strand): 5'-TGAACACCGCCTGGTCCTTTGCGCCCACCATCAGGTCTGCGATGCTCTGGTACACCTCCA[G>T]CTTCTTTTCTGCAGGGCAGGGCAGAGCCATTGAGCTCGGGAGGGTGTGTGGGTGTGGCGT-3'
Protein context (NP_000247.2, residues 535-555): LAELIVQEKK[Leu545Met]EVYQSIADLM

ClinVar aggregate classification (germline): Conflicting classifications of pathogenicity. Review status: criteria provided, conflicting classifications (1 of 4 stars). 10 submissions from 10 submitters: Uncertain significance (8); Likely benign (2). Last evaluated 2026-03-03.

Conditions:
Cardiovascular phenotype. Identifiers: MedGen CN230736.
MYBPC3-related disorder. Also called: MYBPC3-related disorders; MYBPC3-related condition; MYBPC3-related disease.
Cardiomyopathy (CMYO). Also called: Cardiomyopathies. Identifiers: Orphanet 167848, MedGen C0878544, MONDO:0004994, HP:0001638. Inheritance: Various modes of inheritance.
Hypertrophic cardiomyopathy. Also called: HYPERTROPHIC MYOCARDIOPATHY. Identifiers: Orphanet 217569, MedGen C0007194, MeSH D002312, MONDO:0005045, HP:0001639.

Allele frequency attached by ClinVar (database versions not stated): gnomAD exomes 0.00001 and 0.00004; ExAC 0.00003; ESP Exome Variant Server 0.00008; gnomAD 0.00014 and 0.00015; TOPMed 0.00016.
gnomAD v4.1: 35 of 1,613,870 alleles (0.0022%); highest among the groups gnomAD compares: African/African-American, 0.041%; no homozygotes.

Submissions (10):

Women's Health and Genetics/Laboratory Corporation of America, LabCorp
Classification: Uncertain significance. Last evaluated: 2026-03-03. Review status: criteria provided, single submitter. Criteria: LabCorp Variant Classification Summary - May 2015. Collection method: clinical testing. Allele origin: germline.
Comment: Variant summary: MYBPC3 c.1633C>A (p.Leu545Met) results in a conservative amino acid change in the encoded protein sequence. Algorithms developed to predict the effect of missense changes on protein structure and function are either unavailable or do not agree on the potential impact of this missense change. The variant allele was found at a frequency of 3.6e-05 in 248760 control chromosomes. The available data on variant occurrences in the general population are insufficient to allow any conclusion about variant significance. c.1633C>A has been observed in individuals affected with hypertrophic cardiomyopathy (Van Driest_2004, Girolami_2006, Kobayashi_2017, McGurk_2023). These reports do not provide unequivocal conclusions about association of the variant with Cardiomyopathy. To our knowledge, no experimental evidence demonstrating an impact on protein function has been reported. The following publications have been ascertained in the context of this evaluation (PMID: 16858239, 28166811, 37652022, 15519027). ClinVar contains an entry for this variant (Variation ID: 164105). Based on the evidence outlined above, the variant was classified as uncertain significance.

Labcorp Genetics (formerly Invitae), Labcorp
Classification: Uncertain significance for Hypertrophic cardiomyopathy. Last evaluated: 2026-02-03. Review status: criteria provided, single submitter. Criteria: Invitae Variant Classification Sherloc (09022015). Collection method: clinical testing. Allele origin: germline.
Comment: This sequence change replaces leucine, which is neutral and non-polar, with methionine, which is neutral and non-polar, at codon 545 of the MYBPC3 protein (p.Leu545Met). This variant is present in population databases (rs377163678, gnomAD 0.05%). This missense change has been observed in individual(s) with clinical features of MYBPC3-related conditions and/or hypertrophic cardiomyopathy (PMID: 15519027, 16858239, 37652022; internal data). ClinVar contains an entry for this variant (Variation ID: 164105). An algorithm developed to predict the effect of missense changes on protein structure and function (PolyPhen-2) suggests that this variant is likely to be disruptive. In summary, the available evidence is currently insufficient to determine the role of this variant in disease. Therefore, it has been classified as a Variant of Uncertain Significance.

PreventionGenetics, part of Exact Sciences
Classification: Uncertain significance for MYBPC3-related condition. Last evaluated: 2025-11-05. Review status: criteria provided, single submitter. Criteria: ACMG Guidelines, 2015. Collection method: clinical testing. Allele origin: germline.
Comment: The MYBPC3 c.1633C>A variant is predicted to result in the amino acid substitution p.Leu545Met. This variant was reported in both affected and control individuals in hypertrophic cardiomyopathy cohorts and was considered a polymorphism in a study (Van Driest et al. 2004. PubMed ID: 15519027; Kobayashi et al. 2017. PubMed ID: 28166811; Table S8, McGurk et al. 2023. PubMed ID: 37652022). This variant is reported in 0.050% of alleles in individuals of African descent in gnomAD. At this time, the clinical significance of this variant is uncertain due to the absence of conclusive functional and genetic evidence.

GeneDx
Classification: Uncertain significance. Last evaluated: 2025-07-16. Review status: criteria provided, single submitter. Criteria: GeneDx Variant Classification Process June 2021. Collection method: clinical testing. Allele origin: germline. Affected: yes.
Comment: In silico analysis suggests that this missense variant does not alter protein structure/function; This variant is associated with the following publications: (PMID: 21310275, 28166811, 22958901, 37652022, 16858239, 15519027)

Mayo Clinic Laboratories, Mayo Clinic
Classification: Likely benign. Last evaluated: 2025-04-09. Review status: criteria provided, single submitter. Criteria: ACMG Guidelines, 2015. Collection method: clinical testing. Allele origin: germline. Observed: 2 variant alleles.
Comment: BS1, BP5

Molecular Diagnostic Laboratory for Inherited Cardiovascular Disease, Montreal Heart Institute
Classification: Uncertain significance for Cardiovascular phenotype. Last evaluated: 2025-04-09. Review status: criteria provided, single submitter. Criteria: ACMG Guidelines, 2015. Collection method: clinical testing. Allele origin: germline. Affected: yes.

All of Us Research Program, National Institutes of Health
Classification: Uncertain significance for Hypertrophic cardiomyopathy. Last evaluated: 2024-05-30. Review status: criteria provided, single submitter. Criteria: ACMG Guidelines, 2015. Collection method: clinical testing. Allele origin: germline. Inheritance: Autosomal dominant inheritance. Observed: 9 variant alleles, 9 heterozygotes.
Comment: This missense variant replaces leucine with methionine at codon 545 of the MYBPC3 protein. Computational prediction is inconclusive regarding the impact of this variant on protein structure and function (internally defined REVEL score threshold 0.5 < inconclusive < 0.7, PMID: 27666373). To our knowledge, functional studies have not been reported for this variant. This variant has been reported in an individual affected with hypertrophic cardiomyopathy, but was also present in healthy controls (PMID: 15519027). This variant has been identified in 12/280166 chromosomes in the general population by the Genome Aggregation Database (gnomAD). The available evidence is insufficient to determine the role of this variant in disease conclusively. Therefore, this variant is classified as a Variant of Uncertain Significance.

This study involves interpretation of variants in research participants for the purpose of population health screening. Participant phenotype was not available at the time of variant classification. Additional details can be found in publication PMID: 35346344, PMCID: PMC8962531

Color Diagnostics, LLC DBA Color Health
Classification: Uncertain significance for Cardiomyopathy. Last evaluated: 2024-04-26. Review status: criteria provided, single submitter. Criteria: ACMG Guidelines, 2015. Collection method: clinical testing. Allele origin: germline.
Comment: This missense variant replaces leucine with methionine at codon 545 of the MYBPC3 protein. Computational prediction tools indicate that this variant has a deleterious impact on protein structure and function. To our knowledge, functional studies have not been reported for this variant. This variant has been reported in one individual affected with hypertrophic cardiomyopathy, but was also present in healthy controls (PMID: 15519027). This variant has been identified in 12/280166 chromosomes in the general population by the Genome Aggregation Database (gnomAD). The available evidence is insufficient to determine the role of this variant in disease conclusively. Therefore, this variant is classified as a Variant of Uncertain Significance.

Ambry Genetics
Classification: Likely benign for Cardiovascular phenotype. Last evaluated: 2022-11-23. Review status: criteria provided, single submitter. Criteria: Ambry Variant Classification Scheme 2023. Collection method: clinical testing. Allele origin: germline.

Laboratory for Molecular Medicine, Mass General Brigham Personalized Medicine
Classification: Uncertain significance. Last evaluated: 2013-12-05. Review status: criteria provided, single submitter. Criteria: LMM Criteria. Collection method: clinical testing. Allele origin: germline. Observed: 1 variant allele.
Comment: Variant classified as Uncertain Significance - Favor Benign. The Leu545Met varia nt in MYBPC3 has been reported in 1 individual with HCM, but it was also present in 1% (2/200) control chromosomes (Van Dreist 2004). It has also been identifie d in 1/4172 African American chromosomes by the NHLBI Exome Sequencing Project (dbSNP rs377163678). Computational analyses (b iochemical amino acid properties, conservation, PolyPhen2, and SIFT) suggest tha t this variant may impact the normal function of the protein, though this inform ation is not conclusively predictive. Additional information is needed to fully assess the clinical significance of the Leu545Met variant.

Literature cited by the submitters: PubMed 15519027 (cited by 7 submitters); PubMed 16858239 (cited by Women's Health and Genetics/Laboratory Corporation of America, LabCorp and Labcorp Genetics (formerly Invitae), Labcorp); PubMed 28166811 (cited by Women's Health and Genetics/Laboratory Corporation of America, LabCorp and Ambry Genetics); PubMed 37652022 (cited by 3 submitters); PubMed 21310275 (cited by Ambry Genetics); PubMed 22958901 (cited by Ambry Genetics).